The following is an entry in ClinVar:

ClinVar aggregate classification (germline): Uncertain significance (1 of 4 stars; one submission).

Conditions:
Hereditary cancer-predisposing syndrome. Also called: Neoplastic Syndromes, Hereditary; Tumor predisposition; Hereditary Cancer Syndrome; Hereditary neoplastic syndrome. Identifiers: Orphanet 140162, MedGen C0027672, MeSH D009386, MONDO:0015356.

Submission:

Ambry Genetics
Classification: Uncertain significance for Hereditary cancer-predisposing syndrome. Last evaluated: 2026-02-28. Review status: criteria provided, single submitter. Criteria: Ambry Variant Classification Scheme 2023. Collection method: clinical testing. Allele origin: germline.
Comment: The p.F346S variant (also known as c.1037T>C), located in coding exon 6 of the FLCN gene, results from a T to C substitution at nucleotide position 1037. The phenylalanine at codon 346 is replaced by serine, an amino acid with highly dissimilar properties. This amino acid position is conserved. In addition, this alteration is predicted to be deleterious by in silico analysis. Based on the available evidence, the clinical significance of this variant remains unclear.

NM_144997.7(FLCN):c.1037T>C (p.Phe346Ser)

Gene: FLCN (folliculin; minus strand). Cytogenetic location: 17p11.2.
Variant type: single nucleotide variant.
Coding change: c.1037T>C on transcript NM_144997.7 (MANE Select); coding-DNA position 1037, T replaced by C.
Protein change: p.Phe346Ser; replaces phenylalanine 346 with serine.
Molecular consequence: missense variant.
Genome position (GRCh38, 1-based): chr17:17,219,044, A>G on the plus strand (T>C on the coding strand, the complement: FLCN is on the minus strand). VCF-style: chr17-17219044-A-G. GRCh37 (hg19) VCF-style: chr17-17122358-A-G.
Other names: c.1091T>C, p.Phe364Ser (NM_001353229.2); c.1037T>C, p.Phe346Ser (NM_001353230.2, NM_001353231.2); short protein forms F346S, F364S.
Identifiers: ClinVar variation 4827035 (VCV004827035.1).
Genomic context (GRCh38, chr17:17,219,044, plus strand): 5'-CTGAGCTCCTGATGCGCTGTGCCCCTGCCGCCTACCTGCCTCATGTGCCGGAGGGACTTG[A>G]AGACTGGCAGCTTCCGGGGCTGCCAGCTCCCACAGCCTGAGAGAGAGGAGGACTCTGCCG-3'
Protein context (NP_659434.2, residues 336-356): GSWQPRKLPV[Phe346Ser]KSLRHMRQVL